The following is an entry in ClinVar:

NM_201384.3(PLEC):c.11049G>T (p.Trp3683Cys)

Gene: PLEC (plectin; minus strand). Cytogenetic location: 8q24.3.
Variant type: single nucleotide variant.
Coding change: c.11049G>T on transcript NM_201384.3 (MANE Select); coding-DNA position 11049, G replaced by T.
Protein change: p.Trp3683Cys; replaces tryptophan 3683 with cysteine.
Molecular consequence: missense variant.
Genome position (GRCh38, 1-based): chr8:143,918,772, C>A on the plus strand (G>T on the coding strand, the complement: PLEC is on the minus strand). VCF-style: chr8-143918772-C-A. GRCh37 (hg19) VCF-style: chr8-144992940-C-A.
Other names: c.11130G>T, p.Trp3710Cys (NM_000445.5); c.7749G>T, p.Trp2583Cys (NM_001410941.1); c.11007G>T, p.Trp3669Cys (NM_201378.4); c.10983G>T, p.Trp3661Cys (NM_201379.3); c.11460G>T, p.Trp3820Cys (NM_201380.4); c.10953G>T, p.Trp3651Cys (NM_201381.3); c.11049G>T, p.Trp3683Cys (NM_201382.4); c.11061G>T, p.Trp3687Cys (NM_201383.3); short protein forms W2583C, W3651C, W3820C, W3683C, W3661C, W3669C, W3687C, W3710C.
Identifiers: ClinVar variation 4787327 (VCV004787327.1).

ClinVar aggregate classification (germline): Uncertain significance (1 of 4 stars; one submission).

Conditions:
Epidermolysis bullosa simplex with nail dystrophy (EBS5D). Identifiers: MedGen C4225309, MONDO:0014661, OMIM 616487.
Epidermolysis bullosa simplex, Ogna type (EBS5A). Also called: EPIDERMOLYSIS BULLOSA SIMPLEX 5A, OGNA TYPE; Pidermolysis bullosa simplex 5A, Ogna type. Identifiers: Orphanet 79401, MedGen C0432317, MONDO:0007555, OMIM 131950.
Autosomal recessive limb-girdle muscular dystrophy type 2Q (LGMDR17). Also called: MUSCULAR DYSTROPHY, LIMB-GIRDLE, AUTOSOMAL RECESSIVE 17. Identifiers: Orphanet 254361, MedGen C3150989, MONDO:0013390, OMIM 613723.
Epidermolysis bullosa simplex 5B, with muscular dystrophy (EBS5B). Also called: EPIDERMOLYSIS BULLOSA SIMPLEX AND LIMB-GIRDLE MUSCULAR DYSTROPHY; Epidermolysis bullosa simplex with muscular dystrophy. Identifiers: Orphanet 257, MedGen C2931072, MONDO:0009181, OMIM 226670.
Epidermolysis bullosa simplex 5C, with pyloric atresia (EBS5C). Also called: PLEC-Related Epidermolysis Bullosa with Pyloric Atresia; Epidermolysis bullosa simplex with pyloric atresia; PLEC1-Related Epidermolysis Bullosa with Pyloric Atresia. Identifiers: Orphanet 158684, MedGen C2677349, MONDO:0012807, OMIM 612138.

Submission:

Labcorp Genetics (formerly Invitae), Labcorp
Classification: Uncertain significance for Autosomal recessive limb-girdle muscular dystrophy type 2Q; Epidermolysis bullosa simplex, Ogna type; Epidermolysis bullosa simplex with nail dystrophy; Epidermolysis bullosa simplex 5C, with pyloric atresia; Epidermolysis bullosa simplex 5B, with muscular dystrophy. Last evaluated: 2026-01-22. Review status: criteria provided, single submitter. Criteria: Invitae Variant Classification Sherloc (09022015). Collection method: clinical testing. Allele origin: germline.
Comment: This sequence change replaces tryptophan, which is neutral and slightly polar, with cysteine, which is neutral and slightly polar, at codon 3710 of the PLEC protein (p.Trp3710Cys). This variant is not present in population databases (gnomAD no frequency). This variant has not been reported in the literature in individuals affected with PLEC-related conditions. An algorithm developed to predict the effect of missense changes on protein structure and function (PolyPhen-2) suggests that this variant is likely to be disruptive. In summary, the available evidence is currently insufficient to determine the role of this variant in disease. Therefore, it has been classified as a Variant of Uncertain Significance.